The following is an entry in ClinVar:

NM_207122.2(EXT2):c.569A>G (p.Asn190Ser)

Gene: EXT2 (exostosin glycosyltransferase 2; plus strand). Cytogenetic location: 11p11.2.
Variant type: single nucleotide variant.
Coding change: c.569A>G on transcript NM_207122.2 (MANE Select); coding-DNA position 569, A replaced by G.
Protein change: p.Asn190Ser; replaces asparagine 190 with serine.
Molecular consequence: missense variant.
Genome position (GRCh38, 1-based): chr11:44,109,226, A>G. VCF-style: chr11-44109226-A-G. GRCh37 (hg19) VCF-style: chr11-44130776-A-G.
Other names: c.668A>G, p.Asn223Ser (NM_000401.3); c.569A>G, p.Asn190Ser (NM_001178083.3, NM_001389628.1, NM_001389630.1); short protein forms N190S, N223S.
Identifiers: ClinVar variation 4748883 (VCV004748883.1).

ClinVar aggregate classification (germline): Uncertain significance (1 of 4 stars; one submission).

Conditions:
Exostoses, multiple, type 2 (EXT2). Also called: Hereditary Multiple Osteochondromatosis, Type II; EXOSTOSES, MULTIPLE, TYPE II. Identifiers: Orphanet 321, MedGen C1851413, MONDO:0007586, OMIM 133701.

gnomAD v4.1: 1 of 1,614,092 alleles (0.000062%); highest among the groups gnomAD compares: Non-Finnish European, 0.000085%; no homozygotes.

Submission:

Labcorp Genetics (formerly Invitae), Labcorp
Classification: Uncertain significance for Exostoses, multiple, type 2. Last evaluated: 2025-12-23. Review status: criteria provided, single submitter. Criteria: Invitae Variant Classification Sherloc (09022015). Collection method: clinical testing. Allele origin: germline.
Comment: This sequence change replaces asparagine, which is neutral and polar, with serine, which is neutral and polar, at codon 190 of the EXT2 protein (p.Asn190Ser). This variant is not present in population databases (gnomAD no frequency). This variant has not been reported in the literature in individuals affected with EXT2-related conditions. Invitae Evidence Modeling of protein sequence and biophysical properties (such as structural, functional, and spatial information, amino acid conservation, physicochemical variation, residue mobility, and thermodynamic stability) indicates that this missense variant is not expected to disrupt EXT2 protein function with a negative predictive value of 95%. In summary, the available evidence is currently insufficient to determine the role of this variant in disease. Therefore, it has been classified as a Variant of Uncertain Significance.